The following is an entry in ClinVar:

ClinVar aggregate classification (germline): Benign (1 of 4 stars; one submission).

Conditions:
Danon disease. Also called: ANTOPOL DISEASE; PSEUDOGLYCOGENOSIS II; GSD IIb; LYSOSOMAL GLYCOGEN STORAGE DISEASE WITHOUT ACID MALTASE DEFICIENCY; Glycogen Storage Disease Type IIb. Identifiers: Orphanet 34587, MedGen C0878677, MONDO:0010281, OMIM 300257.

Allele frequency attached by ClinVar (database versions not stated): 1000 Genomes Project 0.01298; 1000 Genomes Project 30x 0.01332; gnomAD 0.01415 and 0.01528; TOPMed 0.01604.
gnomAD v4.1: 1,576 of 112,107 alleles (1.4%); highest among the groups gnomAD compares: African/African-American, 4.9%; 33 homozygotes.

Submission:

Illumina Laboratory Services, Illumina
Classification: Benign for Danon disease. Last evaluated: 2018-01-12. Review status: criteria provided, single submitter. Criteria: ICSL Variant Classification Criteria 13 December 2019. Collection method: clinical testing. Allele origin: germline.
Comment: This variant was observed in the ICSL laboratory as part of a predisposition screen in an ostensibly healthy population. It had not been previously curated by ICSL or reported in the Human Gene Mutation Database (HGMD: prior to June 1st, 2018), and was therefore a candidate for classification through an automated scoring system. Utilizing variant allele frequency, disease prevalence and penetrance estimates, and inheritance mode, an automated score was calculated to assess if this variant is too frequent to cause the disease. Based on the score and internal cut-off values, a variant classified as benign is not then subjected to further curation. The score for this variant resulted in a classification of benign for this disease.

NM_002294.3(LAMP2):c.*4562A>G

Gene: LAMP2 (lysosome associated membrane protein 2; minus strand). Cytogenetic location: Xq24.
Variant type: single nucleotide variant.
Coding change: c.*4562A>G on transcript NM_002294.3 (MANE Select); 4562 bases downstream of the stop codon, A replaced by G.
Molecular consequence: 3 prime UTR variant.
Genome position (GRCh38, 1-based): chrX:120,426,761, T>C on the plus strand (A>G on the coding strand, the complement: LAMP2 is on the minus strand). VCF-style: chrX-120426761-T-C. GRCh37 (hg19) VCF-style: chrX-119560616-T-C.
Other names: c.*1723A>G (NM_001122606.1).
Identifiers: ClinVar variation 367744 (VCV000367744.6), dbSNP rs142200759, ClinGen allele CA10645836.
Genomic context (GRCh38, chrX:120,426,761, plus strand): 5'-AGATAATCATCTCAAAAATATGTATTGAAACAAAGCCACTGTTTTTTATGATGACATCAT[T>C]TTAACCAAATGCTTTTATAACAAATAAGCAGTTGTTCTCAAAAGAGAACATTTTAAAAGA-3'